The following is an entry in ClinVar:

ClinVar aggregate classification (germline): Uncertain significance (1 of 4 stars; one submission).

gnomAD v4.1: 1 of 1,613,888 alleles (0.000062%); no homozygotes.

Submission:

Labcorp Genetics (formerly Invitae), Labcorp
Classification: Uncertain significance. Last evaluated: 2022-08-07. Review status: criteria provided, single submitter. Criteria: Invitae Variant Classification Sherloc (09022015). Collection method: clinical testing. Allele origin: germline.
Comment: This sequence change replaces cysteine, which is neutral and slightly polar, with glycine, which is neutral and non-polar, at codon 449 of the CRAT protein (p.Cys449Gly). In summary, the available evidence is currently insufficient to determine the role of this variant in disease. Therefore, it has been classified as a Variant of Uncertain Significance. Algorithms developed to predict the effect of missense changes on protein structure and function are either unavailable or do not agree on the potential impact of this missense change (SIFT: "Deleterious"; PolyPhen-2: "Possibly Damaging"; Align-GVGD: "Class C0"). Algorithms developed to predict the effect of sequence changes on RNA splicing suggest that this variant may create or strengthen a splice site. This variant has not been reported in the literature in individuals affected with CRAT-related conditions. This variant is present in population databases (no rsID available, gnomAD 0.0009%).

NM_000755.5(CRAT):c.1345T>G (p.Cys449Gly)

Gene: CRAT (carnitine O-acetyltransferase; minus strand). Cytogenetic location: 9q34.11.
Variant type: single nucleotide variant.
Coding change: c.1345T>G on transcript NM_000755.5 (MANE Select); coding-DNA position 1345, T replaced by G.
Protein change: p.Cys449Gly; replaces cysteine 449 with glycine.
Molecular consequence: missense variant.
Genome position (GRCh38, 1-based): chr9:129,098,132, A>C on the plus strand (T>G on the coding strand, the complement: CRAT is on the minus strand). VCF-style: chr9-129098132-A-C. GRCh37 (hg19) VCF-style: chr9-131860411-A-C.
Other names: c.1282T>G, p.Cys428Gly (NM_001257363.3, NM_001346548.2, NM_004003.4); c.1348T>G, p.Cys450Gly (NM_001346546.2); c.1345T>G, p.Cys449Gly (NM_001346547.2); c.1225T>G, p.Cys409Gly (NM_001346549.2); short protein forms C428G, C450G, C409G, C449G.
Identifiers: ClinVar variation 2005525 (VCV002005525.4), dbSNP rs376125366, ClinGen allele CA375141078.
Genomic context (GRCh38, chr9:129,098,132, plus strand): 5'-GGATGGTGTCGGTGCGGCCCAGGTGAAACATGCGCAGGGAGGCACTTTCATAGGTGGCAC[A>C]TGCCTGTCCGTAGATCCTGGTGGGAAATGGGGCTAAGCACGCCCCTTGGAGGCGGGCACC-3'
Protein context (NP_000746.3, residues 439-459): LAYYRIYGQA[Cys449Gly]ATYESASLRM